The following is an entry in ClinVar:

NM_182914.3(SYNE2):c.18037A>C (p.Arg6013=)

Gene: SYNE2 (spectrin repeat containing nuclear envelope protein 2; plus strand). Cytogenetic location: 14q23.2.
Variant type: single nucleotide variant.
Coding change: c.18037A>C on transcript NM_182914.3 (MANE Select); coding-DNA position 18037, A replaced by C.
Protein change: p.Arg6013=; no amino-acid change (arginine 6013 retained).
Molecular consequence: synonymous variant.
Genome position (GRCh38, 1-based): chr14:64,190,236, A>C. VCF-style: chr14-64190236-A-C. GRCh37 (hg19) VCF-style: chr14-64656954-A-C.
Other names: c.18037A>C, p.Arg6013= (NM_015180.6).
Identifiers: ClinVar variation 313635 (VCV000313635.15), dbSNP rs375971416, ClinGen allele CA7223898.

ClinVar aggregate classification (germline): Benign/Likely benign. Review status: criteria provided, multiple submitters, no conflicts (2 of 4 stars). 3 submissions from 3 submitters: Benign (1); Likely benign (2). Last evaluated 2025-10-21.

Conditions:
Emery-Dreifuss muscular dystrophy 5, autosomal dominant (EDMD5). Also called: EMERY-DREIFUSS MUSCULAR DYSTROPHY 5. Identifiers: Orphanet 261, MedGen C2751805, MONDO:0013072, OMIM 612999.

Allele frequency attached by ClinVar (database versions not stated): gnomAD 0.00004 and 0.00007; TOPMed 0.00006; gnomAD exomes 0.00009 and 0.00013; ExAC 0.00012.
gnomAD v4.1: 191 of 1,614,180 alleles (0.012%); highest among the groups gnomAD compares: East Asian, 0.12%; 2 homozygotes.

Submissions (3):

Labcorp Genetics (formerly Invitae), Labcorp
Classification: Likely benign for Emery-Dreifuss muscular dystrophy 5, autosomal dominant. Last evaluated: 2025-10-21. Review status: criteria provided, single submitter. Criteria: Invitae Variant Classification Sherloc (09022015). Collection method: clinical testing. Allele origin: germline.

Blueprint Genetics
Classification: Likely benign. Last evaluated: 2024-10-14. Review status: criteria provided, single submitter. Criteria: ACMG Guidelines, 2015. Collection method: clinical testing. Allele origin: germline.

Illumina Laboratory Services, Illumina
Classification: Benign for Emery-Dreifuss muscular dystrophy 5, autosomal dominant. Last evaluated: 2018-01-12. Review status: criteria provided, single submitter. Criteria: ICSL Variant Classification Criteria 13 December 2019. Collection method: clinical testing. Allele origin: germline.
Comment: This variant was observed in the ICSL laboratory as part of a predisposition screen in an ostensibly healthy population. It had not been previously curated by ICSL or reported in the Human Gene Mutation Database (HGMD: prior to June 1st, 2018), and was therefore a candidate for classification through an automated scoring system. Utilizing variant allele frequency, disease prevalence and penetrance estimates, and inheritance mode, an automated score was calculated to assess if this variant is too frequent to cause the disease. Based on the score and internal cut-off values, a variant classified as benign is not then subjected to further curation. The score for this variant resulted in a classification of benign for this disease.